The following is an entry in ClinVar:

NM_000942.5(PPIB):c.624G>A (p.Glu208=)

Genes: PPIB (peptidylprolyl isomerase B; minus strand), SNX22 (sorting nexin 22; plus strand). Cytogenetic location: 15q22.31.
Variant type: single nucleotide variant.
Coding change: c.624G>A on transcript NM_000942.5 (MANE Select); coding-DNA position 624, G replaced by A.
Protein change: p.Glu208=; no amino-acid change (glutamic acid 208 retained).
Molecular consequence: synonymous variant. On other transcripts: 3 prime UTR variant (1), non-coding transcript variant (1).
Genome position (GRCh38, 1-based): chr15:64,156,050, C>T on the plus strand (G>A on the coding strand, the complement: PPIB is on the minus strand). VCF-style: chr15-64156050-C-T. GRCh37 (hg19) VCF-style: chr15-64448249-C-T.
Other names: c.*1542C>T (NM_024798.3).
Identifiers: ClinVar variation 2185123 (VCV002185123.6), dbSNP rs1214968303, ClinGen allele CA490811946.

ClinVar aggregate classification (germline): Likely benign. Review status: criteria provided, single submitter (1 of 4 stars). 2 submissions from 2 submitters: Likely benign (1). 1 of the submissions does not count toward it. Last evaluated 2025-10-01.

Conditions:
PPIB-related disorder. Also called: PPIB-related condition.

Allele frequency attached by ClinVar (database versions not stated): gnomAD 0.00002; TOPMed 0.00002; gnomAD exomes 0.00013.

Submissions (2):

Labcorp Genetics (formerly Invitae), Labcorp
Classification: Likely benign. Last evaluated: 2025-10-01. Review status: criteria provided, single submitter. Criteria: Invitae Variant Classification Sherloc (09022015). Collection method: clinical testing. Allele origin: germline.

PreventionGenetics, part of Exact Sciences
Classification: Likely benign for PPIB-related condition. Last evaluated: 2019-03-29. Review status: no assertion criteria provided. Collection method: clinical testing. Allele origin: germline. Not counted in ClinVar's aggregate classification.
Comment: This variant is classified as likely benign based on ACMG/AMP sequence variant interpretation guidelines (Richards et al. 2015 PMID: 25741868, with internal and published modifications).